The following is an entry in ClinVar:

NM_000140.5(FECH):c.67+6T>G

Genes: FECH (ferrochelatase; minus strand), LOC130062560 (ATAC-STARR-seq lymphoblastoid silent region 9481; plus strand). Cytogenetic location: 18q21.31.
Variant type: single nucleotide variant.
Coding change: c.67+6T>G on transcript NM_000140.5 (MANE Select); 6 bases into the intron after coding-DNA position 67, T replaced by G.
Molecular consequence: intron variant.
Genome position (GRCh38, 1-based): chr18:57,586,548, A>C on the plus strand (T>G on the coding strand, the complement: FECH is on the minus strand). VCF-style: chr18-57586548-A-C. GRCh37 (hg19) VCF-style: chr18-55253780-A-C.
Other names: c.67+6T>G (NM_001371094.1, NM_001374778.1, NM_001012515.4); c.-260+6T>G (NM_001371095.1).
Identifiers: ClinVar variation 2138164 (VCV002138164.4), dbSNP rs1341699746, ClinGen allele CA630039986.

ClinVar aggregate classification (germline): Uncertain significance (1 of 4 stars; one submission).

Allele frequency attached by ClinVar (database versions not stated): gnomAD 0.00001; gnomAD exomes 0.00001.
gnomAD v4.1: 6 of 1,521,246 alleles (0.00039%); no homozygotes.

Submission:

Labcorp Genetics (formerly Invitae), Labcorp
Classification: Uncertain significance. Last evaluated: 2024-12-16. Review status: criteria provided, single submitter. Criteria: Invitae Variant Classification Sherloc (09022015). Collection method: clinical testing. Allele origin: germline.
Comment: This sequence change falls in intron 1 of the FECH gene. It does not directly change the encoded amino acid sequence of the FECH protein. It affects a nucleotide within the consensus splice site. This variant is present in population databases (no rsID available, gnomAD 0.03%). This variant has been observed in individual(s) with erythropoietic protoporphyria (PMID: 20412370). ClinVar contains an entry for this variant (Variation ID: 2138164). Variants that disrupt the consensus splice site are a relatively common cause of aberrant splicing (PMID: 17576681, 9536098). Algorithms developed to predict the effect of sequence changes on RNA splicing suggest that this variant may disrupt the consensus splice site. In summary, the available evidence is currently insufficient to determine the role of this variant in disease. Therefore, it has been classified as a Variant of Uncertain Significance.

Literature cited by the submitters: PubMed 20412370; PubMed 17576681; PubMed 9536098.